The following is an entry in ClinVar:

ClinVar aggregate classification (germline): Uncertain significance. Review status: criteria provided, multiple submitters, no conflicts (2 of 4 stars). 4 submissions from 4 submitters: Uncertain significance (3). 1 of the submissions does not count toward it. Last evaluated 2024-11-01.

Conditions:
TTN-related disorder. Also called: TTN-related disorders; TTN-related condition; TTN-related disease.
Myopathy, myofibrillar, 9, with early respiratory failure (MFM9). Also called: Hereditary myopathy with early respiratory failure; EDSTROM MYOPATHY; Myopathy, distal, with early respiratory failure, autosomal dominant; MYOPATHY, PROXIMAL, WITH EARLY RESPIRATORY MUSCLE INVOLVEMENT. Identifiers: Orphanet 178464, Orphanet 34521, MedGen C1863599, MONDO:0011362, OMIM 603689.
Autosomal recessive limb-girdle muscular dystrophy type 2J (LGMDR10). Also called: Limb-girdle muscular dystrophy, type 2J; MUSCULAR DYSTROPHY, LIMB-GIRDLE, AUTOSOMAL RECESSIVE 10. Identifiers: Orphanet 140922, MedGen C1837342, MONDO:0012127, OMIM 608807.
Dilated cardiomyopathy 1G (CMD1G). Identifiers: Orphanet 154, MedGen C1858763, MONDO:0011400, OMIM 604145.
Tibial muscular dystrophy (TMD). Also called: Tibial muscular dystrophy, tardive; UDD MYOPATHY; Udd Distal Myopathy – Tibial Muscular Dystrophy. Identifiers: Orphanet 609, MedGen C1838244, MONDO:0010870, OMIM 600334.
Hypertrophic cardiomyopathy 9. Also called: Familial hypertrophic cardiomyopathy 9. Identifiers: MedGen C1861065, MONDO:0013412, OMIM 613765.
Early-onset myopathy with fatal cardiomyopathy (CMYO5). Also called: Salih Myopathy; CONGENITAL MYOPATHY 5 WITH CARDIOMYOPATHY. Identifiers: Orphanet 289377, MedGen C2673677, MONDO:0012714, OMIM 611705. Disease mechanism: loss of function.

Allele frequency attached by ClinVar (database versions not stated): TOPMed 0.00002; ExAC 0.00003; gnomAD 0.00003 and 0.00004; gnomAD exomes 0.00003 and 0.00007.
gnomAD v4.1: 104 of 1,613,158 alleles (0.0064%); highest among the groups gnomAD compares: Non-Finnish European, 0.0081%; no homozygotes.

Submissions (4):

CeGaT Center for Human Genetics Tuebingen
Classification: Uncertain significance. Last evaluated: 2024-11-01. Review status: criteria provided, single submitter. Criteria: CeGaT Center For Human Genetics Tuebingen Variant Classification Criteria Version 2. Collection method: clinical testing. Allele origin: germline. Affected: yes. Observed: 1 variant allele.

Fulgent Genetics
Classification: Uncertain significance for Tibial muscular dystrophy; Myopathy, myofibrillar, 9, with early respiratory failure; Dilated cardiomyopathy 1G; Autosomal recessive limb-girdle muscular dystrophy type 2J; Early-onset myopathy with fatal cardiomyopathy; Hypertrophic cardiomyopathy 9. Last evaluated: 2021-10-11. Review status: criteria provided, single submitter. Criteria: ACMG Guidelines, 2015. Collection method: clinical testing. Allele origin: unknown.

Athena Diagnostics
Classification: Uncertain significance. Last evaluated: 2021-03-02. Review status: criteria provided, single submitter. Criteria: Athena Diagnostics criteria. Collection method: clinical testing. Allele origin: unknown.

PreventionGenetics, part of Exact Sciences
Classification: Uncertain significance for TTN-related condition. Last evaluated: 2024-01-16. Review status: no assertion criteria provided. Collection method: clinical testing. Allele origin: germline. Not counted in ClinVar's aggregate classification.
Comment: The TTN c.38845C>T variant is predicted to result in the amino acid substitution p.Pro12949Ser. To our knowledge, this variant has not been reported in the literature. This variant is reported in 0.010% of alleles in individuals of East Asian descent in gnomAD. At this time, the clinical significance of this variant is uncertain due to the absence of conclusive functional and genetic evidence.

NM_001267550.2(TTN):c.38845C>T (p.Pro12949Ser)

Gene: TTN (titin; minus strand). Cytogenetic location: 2q31.2.
Variant type: single nucleotide variant.
Coding change: c.38845C>T on transcript NM_001267550.2 (MANE Select); coding-DNA position 38845, C replaced by T.
Protein change: p.Pro12949Ser; replaces proline 12949 with serine.
Molecular consequence: missense variant. On other transcripts: intron variant (5).
Genome position (GRCh38, 1-based): chr2:178,653,071, G>A on the plus strand (C>T on the coding strand, the complement: TTN is on the minus strand). VCF-style: chr2-178653071-G-A. GRCh37 (hg19) VCF-style: chr2-179517798-G-A.
Other names: c.13283-10754C>T (NM_003319.4); c.13859-10754C>T (NM_133437.4); c.13658-10754C>T (NM_133432.3); c.31742-530C>T (NM_133378.4); c.34523-530C>T (NM_001256850.1); short protein forms P12949S.
Identifiers: ClinVar variation 1256624 (VCV001256624.18), dbSNP rs757781411, ClinGen allele CA1997013.